The following is an entry in ClinVar:

ClinVar aggregate classification (germline): Uncertain significance (1 of 4 stars; one submission).

Conditions:
Aicardi-Goutieres syndrome 3. Identifiers: Orphanet 51, MedGen C1835916, MONDO:0012471, OMIM 610329.

Allele frequency attached by ClinVar (database versions not stated): gnomAD exomes below 0.00001.
gnomAD v4.1: 2 of 1,584,996 alleles (0.00013%); highest among the groups gnomAD compares: South Asian, 0.0023%; no homozygotes.

Submission:

Labcorp Genetics (formerly Invitae), Labcorp
Classification: Uncertain significance for Aicardi-Goutieres syndrome 3. Last evaluated: 2021-07-27. Review status: criteria provided, single submitter. Criteria: Invitae Variant Classification Sherloc (09022015). Collection method: clinical testing. Allele origin: germline.
Comment: In summary, the available evidence is currently insufficient to determine the role of this variant in disease. Therefore, it has been classified as a Variant of Uncertain Significance. Algorithms developed to predict the effect of missense changes on protein structure and function output the following: SIFT: "Tolerated"; PolyPhen-2: "Benign"; Align-GVGD: "Class C0". The aspartic acid amino acid residue is found in multiple mammalian species, which suggests that this missense change does not adversely affect protein function. This variant has not been reported in the literature in individuals affected with RNASEH2C-related conditions. This variant is not present in population databases (ExAC no frequency). This sequence change replaces glutamic acid with aspartic acid at codon 35 of the RNASEH2C protein (p.Glu35Asp). The glutamic acid residue is moderately conserved and there is a small physicochemical difference between glutamic acid and aspartic acid.

NM_032193.4(RNASEH2C):c.105G>C (p.Glu35Asp)

Genes: RNASEH2C (ribonuclease H2 subunit C; minus strand), LOC130006061 (ATAC-STARR-seq lymphoblastoid silent region 3553; plus strand). Cytogenetic location: 11q13.1.
Variant type: single nucleotide variant.
Coding change: c.105G>C on transcript NM_032193.4 (MANE Select); coding-DNA position 105, G replaced by C.
Protein change: p.Glu35Asp; replaces glutamic acid 35 with aspartic acid.
Molecular consequence: missense variant.
Genome position (GRCh38, 1-based): chr11:65,720,654, C>G on the plus strand (G>C on the coding strand, the complement: RNASEH2C is on the minus strand). VCF-style: chr11-65720654-C-G. GRCh37 (hg19) VCF-style: chr11-65488125-C-G.
Other names: short protein forms E35D.
Identifiers: ClinVar variation 1462541 (VCV001462541.8), dbSNP rs759651650, ClinGen allele CA381299357.